The following is an entry in ClinVar:

NM_001384140.1(PCDH15):c.915dup (p.Ala306fs)

Gene: PCDH15 (protocadherin related 15; minus strand). Cytogenetic location: 10q21.1.
Variant type: Duplication.
Coding change: c.915dup on transcript NM_001384140.1 (MANE Select); coding-DNA position 915, one base duplicated (A; older notation c.915dupA).
Protein change: p.Ala306fs; shifts the reading frame from alanine 306.
Molecular consequence: frameshift variant.
Genome position (GRCh38, 1-based): chr10:54,236,893, T duplicated on the plus strand (A on the coding strand, the reverse complement: PCDH15 is on the minus strand); the first of 2 consecutive T bases (chr10:54,236,893-54,236,894); duplicating either gives the same sequence. VCF-style (leftmost placement, unchanged base first): chr10-54236892-C-CT. GRCh37 (hg19) VCF-style: chr10-55996652-C-CT.
Other names: c.915dup (NM_033056.3); c.930dup, p.Ala311fs (NM_001142763.2, NM_001142771.2); c.915dup, p.Ala306fs (NM_001142764.2, NM_001142765.2, NM_001142766.2 and 7 more transcripts); c.804dup, p.Ala269fs (NM_001142767.2); c.849dup, p.Ala284fs (NM_001142768.2, NM_001142773.2, NM_001354404.2); c.929dup, p.Ala311Serfs (NM_001142769.4); short protein forms A269fs, A284fs, A306fs, A311fs.
Identifiers: ClinVar variation 2677561 (VCV002677561.4), dbSNP rs1591348421, ClinGen allele CA918678030.

ClinVar aggregate classification (germline): Likely pathogenic. Review status: criteria provided, multiple submitters, no conflicts (2 of 4 stars). 2 submissions from 2 submitters: Likely pathogenic (2). Last evaluated 2025-04-28.

Conditions:
Usher syndrome type 1F (USH1F). Also called: USHER SYNDROME, TYPE IF. Identifiers: Orphanet 231169, Orphanet 886, MedGen C1865885, MONDO:0011186, OMIM 602083.
Autosomal recessive nonsyndromic hearing loss 23. Identifiers: Orphanet 90636, MedGen C1836027, MONDO:0012293, OMIM 609533.

Submissions (2):

Natera, Inc.
Classification: Likely pathogenic for Usher syndrome type 1F. Last evaluated: 2025-04-28. Review status: criteria provided, single submitter. Criteria: Natera Variant Classification Schema (03/2026). Collection method: clinical testing. Allele origin: germline.
Comment: The c.915dup variant in PCDH15 is a frameshift variant predicted to shift the reading frame beginning at codon 306 and leads to a stop codon 3 codons downstream. This variant is expected to result in nonsense mediated decay, truncation, or a dysfunctional protein product. This variant is rare in the general population with a frequency below the threshold expected for the associated phenotype(s). Given the available evidence, this variant is classified as Likely Pathogenic.

Baylor Genetics
Classification: Likely pathogenic for Autosomal recessive nonsyndromic hearing loss 23. Last evaluated: 2024-02-29. Review status: criteria provided, single submitter. Criteria: ACMG Guidelines, 2015. Collection method: clinical testing. Allele origin: unknown.